The following is an entry in ClinVar:

NM_001039348.3(EFEMP1):c.505A>G (p.Asn169Asp)

Gene: EFEMP1 (EGF-like fibulin extracellular matrix protein 1; minus strand). Cytogenetic location: 2p16.1.
Variant type: single nucleotide variant.
Coding change: c.505A>G on transcript NM_001039348.3 (MANE Select); coding-DNA position 505, A replaced by G.
Protein change: p.Asn169Asp; replaces asparagine 169 with aspartic acid.
Molecular consequence: missense variant.
Genome position (GRCh38, 1-based): chr2:55,917,677, T>C on the plus strand (A>G on the coding strand, the complement: EFEMP1 is on the minus strand). VCF-style: chr2-55917677-T-C. GRCh37 (hg19) VCF-style: chr2-56144812-T-C.
Other names: c.505A>G, p.Asn169Asp (NM_001039349.3); short protein forms N169D.
Identifiers: ClinVar variation 1521222 (VCV001521222.6), dbSNP rs1232184871, ClinGen allele CA347026314.

ClinVar aggregate classification (germline): Uncertain significance (1 of 4 stars; one submission).

Allele frequency attached by ClinVar (database versions not stated): TOPMed 0.00001.
gnomAD v4.1: 1 of 1,614,198 alleles (0.000062%); no homozygotes.

Submission:

Labcorp Genetics (formerly Invitae), Labcorp
Classification: Uncertain significance. Last evaluated: 2025-07-29. Review status: criteria provided, single submitter. Criteria: Invitae Variant Classification Sherloc (09022015). Collection method: clinical testing. Allele origin: germline.
Comment: This sequence change replaces asparagine, which is neutral and polar, with aspartic acid, which is acidic and polar, at codon 169 of the EFEMP1 protein (p.Asn169Asp). This variant is not present in population databases (gnomAD no frequency). This variant has not been reported in the literature in individuals affected with EFEMP1-related conditions. ClinVar contains an entry for this variant (Variation ID: 1521222). Invitae Evidence Modeling of protein sequence and biophysical properties (such as structural, functional, and spatial information, amino acid conservation, physicochemical variation, residue mobility, and thermodynamic stability) indicates that this missense variant is not expected to disrupt EFEMP1 protein function with a negative predictive value of 80%. In summary, the available evidence is currently insufficient to determine the role of this variant in disease. Therefore, it has been classified as a Variant of Uncertain Significance.